The following is an entry in ClinVar:

ClinVar aggregate classification (germline): Likely benign. Review status: criteria provided, multiple submitters, no conflicts (2 of 4 stars). 3 submissions from 3 submitters: Likely benign (2). 1 of the submissions does not count toward it. Last evaluated 2025-11-17.

Conditions:
Inborn genetic diseases. Identifiers: MedGen C0950123, MeSH D030342.
STAG1-related disorder. Also called: STAG1-related disorders.

Allele frequency attached by ClinVar (database versions not stated): gnomAD exomes 0.00004; ExAC 0.00011; TOPMed 0.00014; gnomAD 0.00016; ESP Exome Variant Server 0.00038.
gnomAD v4.1: 85 of 1,612,482 alleles (0.0053%); highest among the groups gnomAD compares: African/African-American, 0.049%; 1 homozygote.

Submissions (3):

Labcorp Genetics (formerly Invitae), Labcorp
Classification: Likely benign. Last evaluated: 2025-11-17. Review status: criteria provided, single submitter. Criteria: Invitae Variant Classification Sherloc (09022015). Collection method: clinical testing. Allele origin: germline.

Ambry Genetics
Classification: Likely benign for Inborn genetic diseases. Last evaluated: 2022-03-23. Review status: criteria provided, single submitter. Criteria: Ambry Variant Classification Scheme 2023. Collection method: clinical testing. Allele origin: germline.

PreventionGenetics, part of Exact Sciences
Classification: Likely benign for STAG1-related condition. Last evaluated: 2024-04-09. Review status: no assertion criteria provided. Collection method: clinical testing. Allele origin: germline. Not counted in ClinVar's aggregate classification.
Comment: This variant is classified as likely benign based on ACMG/AMP sequence variant interpretation guidelines (Richards et al. 2015 PMID: 25741868, with internal and published modifications).

NM_005862.3(STAG1):c.343A>G (p.Ile115Val)

Gene: STAG1 (STAG1 cohesin complex component; minus strand). Cytogenetic location: 3q22.3.
Variant type: single nucleotide variant.
Coding change: c.343A>G on transcript NM_005862.3 (MANE Select); coding-DNA position 343, A replaced by G.
Protein change: p.Ile115Val; replaces isoleucine 115 with valine.
Molecular consequence: missense variant.
Genome position (GRCh38, 1-based): chr3:136,568,816, T>C on the plus strand (A>G on the coding strand, the complement: STAG1 is on the minus strand). VCF-style: chr3-136568816-T-C. GRCh37 (hg19) VCF-style: chr3-136287658-T-C.
Other names: short protein forms I115V.
Identifiers: ClinVar variation 2355493 (VCV002355493.6), dbSNP rs142260634, ClinGen allele CA2633213.
Genomic context (GRCh38, chr3:136,568,816, plus strand): 5'-ATTCTGTACCTCGACATCCTGAACACTGGATAAAAAAGTTGATTAAATCCAGAAGTGCGA[T>C]GTCCCTGTCTTGTTTATATGATTCAATCCAGTCATCCACCACGGACTGTGGAAAAAAAAT-3'
Protein context (NP_005853.2, residues 105-125): WIESYKQDRD[Ile115Val]ALLDLINFFI